The following is an entry in ClinVar:

ClinVar aggregate classification (germline): Uncertain significance (1 of 4 stars; one submission).

Conditions:
Aortic aneurysm, familial thoracic 6 (AAT6). Also called: FAMILIAL THORACIC AORTIC ANEURYSM WITH LIVEDO RETICULARIS AND IRIS FLOCCULI. Identifiers: MedGen C2673186, MONDO:0012730, OMIM 611788.

Submission:

Labcorp Genetics (formerly Invitae), Labcorp
Classification: Uncertain significance for Aortic aneurysm, familial thoracic 6. Last evaluated: 2025-11-21. Review status: criteria provided, single submitter. Criteria: Invitae Variant Classification Sherloc (09022015). Collection method: clinical testing. Allele origin: germline.
Comment: This sequence change replaces tyrosine, which is neutral and polar, with cysteine, which is neutral and slightly polar, at codon 171 of the ACTA2 protein (p.Tyr171Cys). This variant is not present in population databases (gnomAD no frequency). This missense change has been observed in individual(s) with clinical features of ACTA2-related conditions (internal data). ClinVar contains an entry for this variant (Variation ID: 971498). Invitae Evidence Modeling of protein sequence and biophysical properties (such as structural, functional, and spatial information, amino acid conservation, physicochemical variation, residue mobility, and thermodynamic stability) indicates that this missense variant is not expected to disrupt ACTA2 protein function with a negative predictive value of 80%. In summary, the available evidence is currently insufficient to determine the role of this variant in disease. Therefore, it has been classified as a Variant of Uncertain Significance.

NM_001613.4(ACTA2):c.512A>G (p.Tyr171Cys)

Gene: ACTA2 (actin alpha 2, smooth muscle; minus strand). Cytogenetic location: 10q23.31.
Variant type: single nucleotide variant.
Coding change: c.512A>G on transcript NM_001613.4 (MANE Select); coding-DNA position 512, A replaced by G.
Protein change: p.Tyr171Cys; replaces tyrosine 171 with cysteine.
Molecular consequence: missense variant.
Genome position (GRCh38, 1-based): chr10:88,941,333, T>C on the plus strand (A>G on the coding strand, the complement: ACTA2 is on the minus strand). VCF-style: chr10-88941333-T-C. GRCh37 (hg19) VCF-style: chr10-90701090-T-C.
Other names: c.512A>G, p.Tyr171Cys (NM_001141945.3, NM_001320855.2, NM_001406462.1 and 3 more transcripts); c.401A>G, p.Tyr134Cys (NM_001406466.1); c.383A>G, p.Tyr128Cys (NM_001406467.1, NM_001406468.1, NM_001406469.1); short protein forms Y171C, Y128C, Y134C.
Identifiers: ClinVar variation 971498 (VCV000971498.11), dbSNP rs1845846497, ClinGen allele CA377512262.